The following is an entry in ClinVar:

NM_005982.4(SIX1):c.148C>T (p.Leu50Phe)

Gene: SIX1 (SIX homeobox 1; minus strand). Cytogenetic location: 14q23.1.
Variant type: single nucleotide variant.
Coding change: c.148C>T on transcript NM_005982.4 (MANE Select); coding-DNA position 148, C replaced by T.
Protein change: p.Leu50Phe; replaces leucine 50 with phenylalanine.
Molecular consequence: missense variant.
Genome position (GRCh38, 1-based): chr14:60,649,042, G>A on the plus strand (C>T on the coding strand, the complement: SIX1 is on the minus strand). VCF-style: chr14-60649042-G-A. GRCh37 (hg19) VCF-style: chr14-61115760-G-A.
Other names: c.148C>T (NM_005982.3); c.148C>T, p.Leu50Phe (NM_001425142.1); short protein forms L50F.
Identifiers: ClinVar variation 3383073 (VCV003383073.3).

ClinVar aggregate classification (germline): Uncertain significance. Review status: criteria provided, multiple submitters, no conflicts (2 of 4 stars). 2 submissions from 2 submitters: Uncertain significance (2). Last evaluated 2025-03-03.

Conditions:
Branchiootic syndrome 3 (BOS3). Also called: BO SYNDROME 3. Identifiers: MedGen C1842124, MONDO:0012025, OMIM 608389.
SIX1-related disorder. Also called: SIX1-related condition.

Submissions (2):

PreventionGenetics, part of Exact Sciences
Classification: Uncertain significance for SIX1-related condition. Last evaluated: 2025-03-03. Review status: criteria provided, single submitter. Criteria: ACMG Guidelines, 2015. Collection method: clinical testing. Allele origin: germline.
Comment: The SIX1 c.148C>T variant is predicted to result in the amino acid substitution p.Leu50Phe. To our knowledge, this variant has not been reported in the literature. This variant is reported in 0.0% of alleles in individuals of African descent in gnomAD. At this time, the clinical significance of this variant is uncertain due to the absence of conclusive functional and genetic evidence.

Juno Genomics, Hangzhou Juno Genomics, Inc
Classification: Uncertain significance for Branchiootic syndrome 3. Review status: criteria provided, single submitter. Criteria: ACMG Guidelines, 2015. Collection method: clinical testing. Allele origin: germline. Affected: yes.
Comment: Absent from controls (or at extremely low frequency if recessive) in Genome Aggregation Database, Exome Sequencing Project, 1000 Genomes Project, or Exome Aggregation Consortium.;Multiple lines of computational evidence support a deleterious effect on the gene or gene product (conservation, evolutionary, splicing impact, etc).